The following is an entry in ClinVar:

ClinVar aggregate classification (germline): Uncertain significance. Review status: criteria provided, multiple submitters, no conflicts (2 of 4 stars). 2 submissions from 2 submitters: Uncertain significance (2). Last evaluated 2024-05-15.

Conditions:
Myofibrillar myopathy 6. Identifiers: Orphanet 199340, MedGen C2751831, MONDO:0013061, OMIM 612954.
Dilated cardiomyopathy 1HH (CMD1HH). Identifiers: Orphanet 154, MedGen C3151293, MONDO:0013479, OMIM 613881.
Cardiovascular phenotype. Identifiers: MedGen CN230736.

gnomAD v4.1: 5 of 1,614,084 alleles (0.00031%); highest among the groups gnomAD compares: Non-Finnish European, 0.00042%; no homozygotes.

Submissions (2):

Ambry Genetics
Classification: Uncertain significance for Cardiovascular phenotype. Last evaluated: 2024-05-15. Review status: criteria provided, single submitter. Criteria: Ambry Variant Classification Scheme 2023. Collection method: clinical testing. Allele origin: germline.
Comment: The p.G272V variant (also known as c.815G>T), located in coding exon 3 of the BAG3 gene, results from a G to T substitution at nucleotide position 815. The glycine at codon 272 is replaced by valine, an amino acid with dissimilar properties. This amino acid position is not well conserved in available vertebrate species. In addition, this alteration is predicted to be tolerated by in silico analysis. Based on the available evidence, the clinical significance of this variant remains unclear.

Labcorp Genetics (formerly Invitae), Labcorp
Classification: Uncertain significance for Dilated cardiomyopathy 1HH; Myofibrillar myopathy 6. Last evaluated: 2023-07-16. Review status: criteria provided, single submitter. Criteria: Invitae Variant Classification Sherloc (09022015). Collection method: clinical testing. Allele origin: germline.
Comment: In summary, the available evidence is currently insufficient to determine the role of this variant in disease. Therefore, it has been classified as a Variant of Uncertain Significance. Advanced modeling of protein sequence and biophysical properties (such as structural, functional, and spatial information, amino acid conservation, physicochemical variation, residue mobility, and thermodynamic stability) performed at Invitae indicates that this missense variant is not expected to disrupt BAG3 protein function. ClinVar contains an entry for this variant (Variation ID: 1008050). This variant has not been reported in the literature in individuals affected with BAG3-related conditions. This variant is not present in population databases (gnomAD no frequency). This sequence change replaces glycine, which is neutral and non-polar, with valine, which is neutral and non-polar, at codon 272 of the BAG3 protein (p.Gly272Val).

NM_004281.4(BAG3):c.815G>T (p.Gly272Val)

Gene: BAG3 (BAG cochaperone 3; plus strand). Cytogenetic location: 10q26.11.
Variant type: single nucleotide variant.
Coding change: c.815G>T on transcript NM_004281.4 (MANE Select); coding-DNA position 815, G replaced by T.
Protein change: p.Gly272Val; replaces glycine 272 with valine.
Molecular consequence: missense variant.
Genome position (GRCh38, 1-based): chr10:119,672,562, G>T. VCF-style: chr10-119672562-G-T. GRCh37 (hg19) VCF-style: chr10-121432074-G-T.
Other names: c.815G>T (NM_004281.3); short protein forms G272V.
Identifiers: ClinVar variation 1008050 (VCV001008050.8), dbSNP rs1589630345, ClinGen allele CA378295858.